The following is an entry in ClinVar:

ClinVar aggregate classification (germline): Pathogenic. Review status: criteria provided, single submitter (1 of 4 stars). 3 submissions from 3 submitters: Pathogenic (1). 2 of the submissions do not count toward it. Last evaluated 2023-10-03.

Conditions:
Retinal dystrophy. Also called: Inherited retinal dystrophy. Identifiers: Orphanet 71862, MedGen C0854723, MeSH D058499, MONDO:0019118, HP:0000556.
Leber congenital amaurosis (LCA). Also called: Leber's amaurosis. Identifiers: Orphanet 65, MedGen C0339527, MeSH D057130, MONDO:0018998.

Allele frequency attached by ClinVar (database versions not stated): gnomAD exomes below 0.00001.

Submissions (3):

Labcorp Genetics (formerly Invitae), Labcorp
Classification: Pathogenic. Last evaluated: 2023-10-03. Review status: criteria provided, single submitter. Criteria: Invitae Variant Classification Sherloc (09022015). Collection method: clinical testing. Allele origin: germline.
Comment: This sequence change falls in intron 14 of the TULP1 gene. It does not directly change the encoded amino acid sequence of the TULP1 protein. It affects a nucleotide within the consensus splice site. This variant is not present in population databases (gnomAD no frequency). This variant has been observed in individuals with retinitis pigmentosa (PMID: 18432314, 33921607). It has also been observed to segregate with disease in related individuals. This variant is also known as c.1495+2_1495+3insT and c.1495+2dupT. ClinVar contains an entry for this variant (Variation ID: 812437). Variants that disrupt the consensus splice site are a relatively common cause of aberrant splicing (PMID: 17576681, 9536098). Studies have shown that this variant is associated with altered splicing resulting in multiple RNA products (PMID: 18432314). For these reasons, this variant has been classified as Pathogenic.

Sharon lab, Hadassah-Hebrew University Medical Center
Classification: Pathogenic for Leber congenital amaurosis. Last evaluated: 2019-06-23. Review status: no assertion criteria provided. Collection method: research. Allele origin: inherited. Affected: yes. Not counted in ClinVar's aggregate classification.

Institute of Human Genetics, Univ. Regensburg, Univ. Regensburg
Classification: Pathogenic for Retinal dystrophy. Last evaluated: 2018-01-01. Review status: no assertion criteria provided. Criteria: ACMG Guidelines, 2015. Collection method: clinical testing. Allele origin: germline. Affected: yes. Not counted in ClinVar's aggregate classification.

Literature cited by the submitters: PubMed 18432314 (cited by Labcorp Genetics (formerly Invitae), Labcorp); PubMed 33921607 (cited by Labcorp Genetics (formerly Invitae), Labcorp); PubMed 17576681 (cited by Labcorp Genetics (formerly Invitae), Labcorp); PubMed 9536098 (cited by Labcorp Genetics (formerly Invitae), Labcorp).

NM_003322.6(TULP1):c.1495+2dup

Gene: TULP1 (TUB like protein 1; minus strand). Cytogenetic location: 6p21.31.
Variant type: Duplication.
Coding change: c.1495+2dup on transcript NM_003322.6 (MANE Select); the canonical splice donor site of the intron after coding-DNA position 1495, one base duplicated (T; older notation c.1495+2dupT).
Molecular consequence: splice donor variant.
Genome position (GRCh38, 1-based): chr6:35,499,979, A duplicated on the plus strand (T on the coding strand, the reverse complement: TULP1 is on the minus strand). VCF-style (leftmost placement, unchanged base first): chr6-35499978-C-CA. GRCh37 (hg19) VCF-style: chr6-35467755-C-CA.
Other names: c.1336+2dup (NM_001289395.2).
Identifiers: ClinVar variation 812437 (VCV000812437.5), dbSNP rs1581735836, ClinGen allele CA915944233.
Genomic context (GRCh38, chr6:35,499,978, plus strand): 5'-GAATGAAGGTCAGCATCCTGGGGGTGGTGGAGAAGAGCCAGACCTGGGCCCTCAGGTACT[C>CA]ACGGTCATCAGCGTGGACAATCTGGAAGTTCTTGACTGAGGCCTGGGTGACCCGGCCTTG-3'